The following is an entry in ClinVar:

ClinVar aggregate classification (germline): Likely benign (1 of 4 stars; one submission).

Conditions:
Isovaleryl-CoA dehydrogenase deficiency (IVA). Also called: ISOVALERIC ACID CoA DEHYDROGENASE DEFICIENCY; Isovaleric acidemia; Classic Isovaleric Acidemia; IVD DEFICIENCY. Identifiers: Orphanet 33, MedGen C0268575, MONDO:0009475, OMIM 243500.

Allele frequency attached by ClinVar (database versions not stated): gnomAD exomes 0.00008; gnomAD 0.00065; TOPMed 0.00087; 1000 Genomes Project 0.00180; 1000 Genomes Project 30x 0.00219.

Submission:

Illumina Laboratory Services, Illumina
Classification: Likely benign for Isovaleryl-CoA dehydrogenase deficiency. Last evaluated: 2018-01-13. Review status: criteria provided, single submitter. Criteria: ICSL Variant Classification Criteria 13 December 2019. Collection method: clinical testing. Allele origin: germline.
Comment: This variant was observed in the ICSL laboratory as part of a predisposition screen in an ostensibly healthy population. It had not been previously curated by ICSL or reported in the Human Gene Mutation Database (HGMD: prior to June 1st, 2018), and was therefore a candidate for classification through an automated scoring system. Utilizing variant allele frequency, disease prevalence and penetrance estimates, and inheritance mode, an automated score was calculated to assess if this variant is too frequent to cause the disease. Based on the score and internal cut-off values, a variant classified as likely benign is not then subjected to further curation. The score for this variant resulted in a classification of likely benign for this disease.

NM_002225.5(IVD):c.*2235G>A

Gene: IVD (isovaleryl-CoA dehydrogenase; plus strand). Cytogenetic location: 15q15.1.
Variant type: single nucleotide variant.
Coding change: c.*2235G>A on transcript NM_002225.5 (MANE Select); 2235 bases downstream of the stop codon, G replaced by A.
Molecular consequence: 3 prime UTR variant. On other transcripts: intron variant (3).
Genome position (GRCh38, 1-based): chr15:40,420,498, G>A. VCF-style: chr15-40420498-G-A. GRCh37 (hg19) VCF-style: chr15-40712697-G-A.
Other names: c.*2235G>A (NM_001159508.3, NM_001354597.3, NM_001354599.3); c.1226-3637G>A (NM_001354600.3); c.1139-3637G>A (NM_001354598.3); c.1138+4136G>A (NM_001354601.3).
Identifiers: ClinVar variation 887459 (VCV000887459.4), dbSNP rs189359145, ClinGen allele CA268783007.